The following is an entry in ClinVar:

ClinVar aggregate classification (germline): Uncertain significance (1 of 4 stars; one submission).

Submission:

Labcorp Genetics (formerly Invitae), Labcorp
Classification: Uncertain significance. Last evaluated: 2022-08-16. Review status: criteria provided, single submitter. Criteria: Invitae Variant Classification Sherloc (09022015). Collection method: clinical testing. Allele origin: germline.
Comment: ClinVar contains an entry for this variant (Variation ID: 1363951). In summary, the available evidence is currently insufficient to determine the role of this variant in disease. Therefore, it has been classified as a Variant of Uncertain Significance. Advanced modeling of protein sequence and biophysical properties (such as structural, functional, and spatial information, amino acid conservation, physicochemical variation, residue mobility, and thermodynamic stability) performed at Invitae indicates that this missense variant is not expected to disrupt CPLANE1 protein function. This variant has not been reported in the literature in individuals affected with CPLANE1-related conditions. This variant is not present in population databases (gnomAD no frequency). This sequence change replaces asparagine, which is neutral and polar, with serine, which is neutral and polar, at codon 2500 of the CPLANE1 protein (p.Asn2500Ser).

NM_001384732.1(CPLANE1):c.7499A>G (p.Asn2500Ser)

Gene: CPLANE1 (ciliogenesis and planar polarity effector complex subunit 1; minus strand). Cytogenetic location: 5p13.2.
Variant type: single nucleotide variant.
Coding change: c.7499A>G on transcript NM_001384732.1 (MANE Select); coding-DNA position 7499, A replaced by G.
Protein change: p.Asn2500Ser; replaces asparagine 2500 with serine.
Molecular consequence: missense variant.
Genome position (GRCh38, 1-based): chr5:37,165,573, T>C on the plus strand (A>G on the coding strand, the complement: CPLANE1 is on the minus strand). VCF-style: chr5-37165573-T-C. GRCh37 (hg19) VCF-style: chr5-37165675-T-C.
Other names: c.7499A>G, p.Asn2500Ser (NM_023073.4); short protein forms N2500S.
Identifiers: ClinVar variation 1363951 (VCV001363951.8), dbSNP rs2150868522, ClinGen allele CA359476280.
Genomic context (GRCh38, chr5:37,165,573, plus strand): 5'-AAGAATCTATAGCAGTTTTTCTATACCTTGGGTTTCTTAATGATTTCTGAATCATCATTA[T>C]TAATTATGGAATTCTCTGGTCGAAAAGTCACATTTGGTTTTCTCCTCAGTTTCTCACATC-3'
Protein context (NP_001371661.1, residues 2490-2510): VTFRPENSII[Asn2500Ser]NDDSEIIKKP